The following is an entry in ClinVar:

NM_002317.7(LOX):c.517A>C (p.Asn173His)

Genes: LOX (lysyl oxidase; minus strand), SRFBP1 (serum response factor binding protein 1; plus strand). Cytogenetic location: 5q23.1.
Variant type: single nucleotide variant.
Coding change: c.517A>C on transcript NM_002317.7 (MANE Select); coding-DNA position 517, A replaced by C.
Protein change: p.Asn173His; replaces asparagine 173 with histidine.
Molecular consequence: missense variant.
Genome position (GRCh38, 1-based): chr5:122,077,469, T>G on the plus strand (A>C on the coding strand, the complement: LOX is on the minus strand). VCF-style: chr5-122077469-T-G. GRCh37 (hg19) VCF-style: chr5-121413164-T-G.
Other names: short protein forms N173H.
Identifiers: ClinVar variation 3867695 (VCV003867695.2).

ClinVar aggregate classification (germline): Uncertain significance. Review status: criteria provided, multiple submitters, no conflicts (2 of 4 stars). 2 submissions from 2 submitters: Uncertain significance (2). Last evaluated 2025-07-13.

Conditions:
Cardiovascular phenotype. Identifiers: MedGen CN230736.

gnomAD v4.1: 2 of 1,614,026 alleles (0.00012%); highest among the groups gnomAD compares: Non-Finnish European, 0.00017%; no homozygotes.

Submissions (2):

Labcorp Genetics (formerly Invitae), Labcorp
Classification: Uncertain significance. Last evaluated: 2025-07-13. Review status: criteria provided, single submitter. Criteria: Invitae Variant Classification Sherloc (09022015). Collection method: clinical testing. Allele origin: germline.
Comment: This sequence change replaces asparagine, which is neutral and polar, with histidine, which is basic and polar, at codon 173 of the LOX protein (p.Asn173His). This variant is not present in population databases (gnomAD no frequency). This variant has not been reported in the literature in individuals affected with LOX-related conditions. ClinVar contains an entry for this variant (Variation ID: 3867695). Invitae Evidence Modeling of protein sequence and biophysical properties (such as structural, functional, and spatial information, amino acid conservation, physicochemical variation, residue mobility, and thermodynamic stability) has been performed for this missense variant. However, the output from this modeling did not meet the statistical confidence thresholds required to predict the impact of this variant on LOX protein function. In summary, the available evidence is currently insufficient to determine the role of this variant in disease. Therefore, it has been classified as a Variant of Uncertain Significance.

Ambry Genetics
Classification: Uncertain significance for Cardiovascular phenotype. Last evaluated: 2025-01-27. Review status: criteria provided, single submitter. Criteria: Ambry Variant Classification Scheme 2023. Collection method: clinical testing. Allele origin: germline.
Comment: The p.N173H variant (also known as c.517A>C), located in coding exon 1 of the LOX gene, results from an A to C substitution at nucleotide position 517. The asparagine at codon 173 is replaced by histidine, an amino acid with similar properties. This amino acid position is conserved. In addition, this alteration is predicted to be tolerated by in silico analysis. Based on the available evidence, the clinical significance of this variant remains unclear.